The following is an entry in ClinVar:

NM_001286611.2(REPS1):c.1257+5G>A

Gene: REPS1 (RALBP1 associated Eps domain containing 1; minus strand). Cytogenetic location: 6q24.1.
Variant type: single nucleotide variant.
Coding change: c.1257+5G>A on transcript NM_001286611.2 (MANE Select); 5 bases into the intron after coding-DNA position 1257, G replaced by A.
Molecular consequence: intron variant.
Genome position (GRCh38, 1-based): chr6:138,929,972, C>T on the plus strand (G>A on the coding strand, the complement: REPS1 is on the minus strand). VCF-style: chr6-138929972-C-T. GRCh37 (hg19) VCF-style: chr6-139251109-C-T.
Other names: c.1257+5G>A (NM_001286612.2, NM_001128617.3, NM_031922.5).
Identifiers: ClinVar variation 4712284 (VCV004712284.1).

ClinVar aggregate classification (germline): Uncertain significance (1 of 4 stars; one submission).

Submission:

Labcorp Genetics (formerly Invitae), Labcorp
Classification: Uncertain significance. Last evaluated: 2025-02-04. Review status: criteria provided, single submitter. Criteria: Invitae Variant Classification Sherloc (09022015). Collection method: clinical testing. Allele origin: germline.
Comment: This sequence change falls in intron 9 of the REPS1 gene. It does not directly change the encoded amino acid sequence of the REPS1 protein. It affects a nucleotide within the consensus splice site. This variant is not present in population databases (gnomAD no frequency). This variant has not been reported in the literature in individuals affected with REPS1-related conditions. Variants that disrupt the consensus splice site are a relatively common cause of aberrant splicing (PMID: 17576681, 9536098). Algorithms developed to predict the effect of sequence changes on RNA splicing suggest that this variant may disrupt the consensus splice site. In summary, the available evidence is currently insufficient to determine the role of this variant in disease. Therefore, it has been classified as a Variant of Uncertain Significance.

Literature cited by the submitters: PubMed 17576681; PubMed 9536098.